The following is an entry in ClinVar:

ClinVar aggregate classification (germline): Uncertain significance (1 of 4 stars; one submission).

Conditions:
Marden-Walker syndrome (MWKS). Also called: Connective tissue disorder Marden Walker type. Identifiers: Orphanet 2461, MedGen C0796033, MONDO:0009564, OMIM 248700.

gnomAD v4.1: 1 of 1,537,254 alleles (0.000065%); no homozygotes.

Submission:

Baylor Genetics
Classification: Uncertain significance for Marden-Walker syndrome. Last evaluated: 2019-12-10. Review status: criteria provided, single submitter. Criteria: ACMG Guidelines, 2015. Collection method: clinical testing. Allele origin: unknown. Affected: yes.
Comment: This variant was determined to be of uncertain significance according to ACMG Guidelines, 2015 [PMID:25741868].

NM_001378183.1(PIEZO2):c.3193G>C (p.Asp1065His)

Gene: PIEZO2 (piezo type mechanosensitive ion channel component 2; minus strand). Cytogenetic location: 18p11.22.
Variant type: single nucleotide variant.
Coding change: c.3193G>C on transcript NM_001378183.1 (MANE Select); coding-DNA position 3193, G replaced by C.
Protein change: p.Asp1065His; replaces aspartic acid 1065 with histidine.
Molecular consequence: missense variant.
Genome position (GRCh38, 1-based): chr18:10,762,556, C>G on the plus strand (G>C on the coding strand, the complement: PIEZO2 is on the minus strand). VCF-style: chr18-10762556-C-G. GRCh37 (hg19) VCF-style: chr18-10762554-C-G.
Other names: c.3118G>C, p.Asp1040His (NM_022068.4); short protein forms D1065H, D1040H.
Identifiers: ClinVar variation 1028748 (VCV001028748.1), dbSNP rs752023399, ClinGen allele CA401923612.